The following is an entry in ClinVar:

ClinVar aggregate classification (germline): Uncertain significance. Review status: criteria provided, single submitter (1 of 4 stars). 2 submissions from 2 submitters: Uncertain significance (1). 1 of the submissions does not count toward it. Last evaluated 2025-01-14.

Conditions:
Spastic paraplegia. Identifiers: MedGen C0037772, HP:0001258.
Hereditary spastic paraplegia 10 (SPG10). Also called: SPASTIC PARAPLEGIA 10, AUTOSOMAL DOMINANT; SPASTIC PARAPLEGIA 10 WITH OR WITHOUT PERIPHERAL NEUROPATHY; SPASTIC PARAPLEGIA 10 WITH PERIPHERAL NEUROPATHY. Identifiers: Orphanet 100991, MedGen C1858712, MONDO:0011408, OMIM 604187.

Submissions (2):

Labcorp Genetics (formerly Invitae), Labcorp
Classification: Uncertain significance for Spastic paraplegia. Last evaluated: 2025-01-14. Review status: criteria provided, single submitter. Criteria: Invitae Variant Classification Sherloc (09022015). Collection method: clinical testing. Allele origin: germline.
Comment: This sequence change replaces alanine, which is neutral and non-polar, with threonine, which is neutral and polar, at codon 244 of the KIF5A protein (p.Ala244Thr). This variant is not present in population databases (gnomAD no frequency). This variant has not been reported in the literature in individuals affected with KIF5A-related conditions. Invitae Evidence Modeling of protein sequence and biophysical properties (such as structural, functional, and spatial information, amino acid conservation, physicochemical variation, residue mobility, and thermodynamic stability) has been performed for this missense variant. However, the output from this modeling did not meet the statistical confidence thresholds required to predict the impact of this variant on KIF5A protein function. In summary, the available evidence is currently insufficient to determine the role of this variant in disease. Therefore, it has been classified as a Variant of Uncertain Significance.

Dell Medical School, University of Texas at Austin
No classification provided. Condition: Hereditary spastic paraplegia 10. Review status: no classification provided. Collection method: phenotyping only. Allele origin: unknown. Affected: yes. Observed: 1 heterozygote. Not counted in ClinVar's aggregate classification.

NM_004984.4(KIF5A):c.730G>A (p.Ala244Thr)

Gene: KIF5A (kinesin family member 5A; plus strand). Cytogenetic location: 12q13.3.
Variant type: single nucleotide variant.
Coding change: c.730G>A on transcript NM_004984.4 (MANE Select); coding-DNA position 730, G replaced by A.
Protein change: p.Ala244Thr; replaces alanine 244 with threonine.
Molecular consequence: missense variant.
Genome position (GRCh38, 1-based): chr12:57,568,978, G>A. VCF-style: chr12-57568978-G-A. GRCh37 (hg19) VCF-style: chr12-57962761-G-A.
Other names: c.730G>A (NM_004984.2); c.463G>A, p.Ala155Thr (NM_001354705.2); short protein forms A244T, A155T.
Identifiers: ClinVar variation 3637601 (VCV003637601.3).